The following is an entry in ClinVar:

NM_001163435.3(TBCK):c.2488C>G (p.Gln830Glu)

Gene: TBCK (TBC1 domain containing kinase; minus strand). Cytogenetic location: 4q24.
Variant type: single nucleotide variant.
Coding change: c.2488C>G on transcript NM_001163435.3 (MANE Select); coding-DNA position 2488, C replaced by G.
Protein change: p.Gln830Glu; replaces glutamine 830 with glutamic acid.
Molecular consequence: missense variant.
Genome position (GRCh38, 1-based): chr4:106,095,565, G>C on the plus strand (C>G on the coding strand, the complement: TBCK is on the minus strand). VCF-style: chr4-106095565-G-C. GRCh37 (hg19) VCF-style: chr4-107016722-G-C.
Other names: c.2488C>G, p.Gln830Glu (NM_001163436.4); c.2371C>G, p.Gln791Glu (NM_001163437.3); c.1972C>G, p.Gln658Glu (NM_001290768.2); c.2299C>G, p.Gln767Glu (NM_033115.5); short protein forms Q658E, Q791E, Q830E, Q767E.
Identifiers: ClinVar variation 2128146 (VCV002128146.4), dbSNP rs781011538, ClinGen allele CA3034693.

ClinVar aggregate classification (germline): Uncertain significance (1 of 4 stars; one submission).

Allele frequency attached by ClinVar (database versions not stated): ExAC 0.00003.
gnomAD v4.1: 8 of 1,614,100 alleles (0.0005%); highest among the groups gnomAD compares: South Asian, 0.0077%; no homozygotes.

Submission:

Labcorp Genetics (formerly Invitae), Labcorp
Classification: Uncertain significance. Last evaluated: 2022-04-19. Review status: criteria provided, single submitter. Criteria: Invitae Variant Classification Sherloc (09022015). Collection method: clinical testing. Allele origin: germline.
Comment: In summary, the available evidence is currently insufficient to determine the role of this variant in disease. Therefore, it has been classified as a Variant of Uncertain Significance. Algorithms developed to predict the effect of missense changes on protein structure and function (SIFT, PolyPhen-2, Align-GVGD) all suggest that this variant is likely to be tolerated. This variant has not been reported in the literature in individuals affected with TBCK-related conditions. This variant is present in population databases (rs781011538, gnomAD 0.01%). This sequence change replaces glutamine, which is neutral and polar, with glutamic acid, which is acidic and polar, at codon 830 of the TBCK protein (p.Gln830Glu).